The following is an entry in ClinVar:

ClinVar aggregate classification (germline): Likely pathogenic (1 of 4 stars; one submission).

Conditions:
Diencephalic-mesencephalic junction dysplasia syndrome 1 (DMJDS1). Also called: Microcephaly with spastic quadriplegia. Identifiers: MedGen C4538630, MONDO:0009625, OMIM 251280.

Submission:

Institute of Human Genetics, University of Goettingen
Classification: Likely pathogenic for Diencephalic-mesencephalic junction dysplasia syndrome 1. Last evaluated: 2024-07-29. Review status: criteria provided, single submitter. Criteria: ACMG Guidelines, 2015. Collection method: clinical testing. Allele origin: unknown. Inheritance: Autosomal recessive inheritance. Affected: yes.
Comment: ACMG criteria used for classification: PVS1, PM2_sup.

NM_016580.4(PCDH12):c.2675del (p.Gly892fs)

Genes: PCDH12 (protocadherin 12; minus strand), RNF14 (ring finger protein 14; plus strand). Cytogenetic location: 5q31.3.
Variant type: Deletion.
Coding change: c.2675del on transcript NM_016580.4 (MANE Select); coding-DNA position 2675, one base deleted (G; older notation c.2675delG).
Protein change: p.Gly892fs; shifts the reading frame from glycine 892.
Molecular consequence: frameshift variant.
Genome position (GRCh38, 1-based): chr5:141,955,177, C deleted on the plus strand (G on the coding strand, the reverse complement: PCDH12 is on the minus strand); the first of 2 consecutive C bases (chr5:141,955,177-141,955,178); deleting either gives the same sequence. VCF-style (leftmost placement, unchanged base first): chr5-141955176-TC-T. GRCh37 (hg19) VCF-style: chr5-141334741-TC-T.
Other names: short protein forms G892fs.
Identifiers: ClinVar variation 3256111 (VCV003256111.2).